The following is an entry in ClinVar:

NM_000340.2(SLC2A2):c.1490C>T (p.Ala497Val)

Gene: SLC2A2 (solute carrier family 2 member 2; minus strand). Cytogenetic location: 3q26.2.
Variant type: single nucleotide variant.
Coding change: c.1490C>T on transcript NM_000340.2 (MANE Select); coding-DNA position 1490, C replaced by T.
Protein change: p.Ala497Val; replaces alanine 497 with valine.
Molecular consequence: missense variant.
Genome position (GRCh38, 1-based): chr3:170,997,988, G>A on the plus strand (C>T on the coding strand, the complement: SLC2A2 is on the minus strand). VCF-style: chr3-170997988-G-A. GRCh37 (hg19) VCF-style: chr3-170715777-G-A.
Other names: c.1133C>T, p.Ala378Val (NM_001278658.2); c.971C>T, p.Ala324Val (NM_001278659.2); short protein forms A497V, A324V, A378V.
Identifiers: ClinVar variation 2190444 (VCV002190444.3), dbSNP rs200160167, ClinGen allele CA2702389.
Genomic context (GRCh38, chr3:170,997,988, plus strand): 5'-AATTTCATTTCTACAGCAGCTTTTGGCCTGTGGGCTGAGCCACTCTTCTTTTGGAATTCT[G>A]CAGCAATTTCCTCAAAAGACTTTCCTTTGGTTTCTGGAACTTTAAAAAATGTGAACAGGG-3'
Protein context (NP_000331.1, residues 487-507): TKGKSFEEIA[Ala497Val]EFQKKSGSAH

ClinVar aggregate classification (germline): Uncertain significance. Review status: criteria provided, multiple submitters, no conflicts (2 of 4 stars). 2 submissions from 2 submitters: Uncertain significance (2). Last evaluated 2024-04-23.

Conditions:
Fanconi-Bickel syndrome (FBS). Also called: FANCONI SYNDROME WITH INTESTINAL MALABSORPTION AND GALACTOSE INTOLERANCE; HEPATIC GLYCOGENOSIS WITH AMINO ACIDURIA AND GLUCOSURIA; HEPATIC GLYCOGENOSIS WITH FANCONI NEPHROPATHY; HEPATORENAL GLYCOGENOSIS WITH RENAL FANCONI SYNDROME; PSEUDO-PHLORIZIN DIABETES; Glycogen storage disease due to GLUT2 deficiency. Identifiers: Orphanet 2088, MedGen C3495427, MONDO:0009216, OMIM 227810.
Type 2 diabetes mellitus. Also called: Type II diabetes mellitus. Identifiers: MedGen C0011860, MeSH D003924, MONDO:0005148, OMIM 125853, HP:0005978.

gnomAD v4.1: 41 of 1,613,460 alleles (0.0025%); highest among the groups gnomAD compares: Non-Finnish European, 0.0033%; no homozygotes.

Submissions (2):

Fulgent Genetics
Classification: Uncertain significance for Type 2 diabetes mellitus; Fanconi-Bickel syndrome. Last evaluated: 2024-04-23. Review status: criteria provided, single submitter. Criteria: ACMG Guidelines, 2015. Collection method: clinical testing. Allele origin: germline.

Labcorp Genetics (formerly Invitae), Labcorp
Classification: Uncertain significance for Fanconi-Bickel syndrome. Last evaluated: 2022-03-06. Review status: criteria provided, single submitter. Criteria: Invitae Variant Classification Sherloc (09022015). Collection method: clinical testing. Allele origin: germline.
Comment: In summary, the available evidence is currently insufficient to determine the role of this variant in disease. Therefore, it has been classified as a Variant of Uncertain Significance. Advanced modeling of protein sequence and biophysical properties (such as structural, functional, and spatial information, amino acid conservation, physicochemical variation, residue mobility, and thermodynamic stability) performed at Invitae indicates that this missense variant is not expected to disrupt SLC2A2 protein function. This variant has not been reported in the literature in individuals affected with SLC2A2-related conditions. This variant is present in population databases (rs200160167, gnomAD 0.007%). This sequence change replaces alanine, which is neutral and non-polar, with valine, which is neutral and non-polar, at codon 497 of the SLC2A2 protein (p.Ala497Val).